The following is an entry in ClinVar:

ClinVar aggregate classification (germline): Pathogenic/Likely pathogenic. Review status: criteria provided, multiple submitters, no conflicts (2 of 4 stars). 3 submissions from 3 submitters: Pathogenic (1); Likely pathogenic (2). Last evaluated 2025-07-19.

Conditions:
Polycystic kidney disease 4 (PKD4). Also called: PKD3; POLYCYSTIC KIDNEY AND HEPATIC DISEASE 1; POLYCYSTIC KIDNEY DISEASE, INFANTILE, TYPE I; POLYCYSTIC KIDNEY DISEASE 4 WITH OR WITHOUT POLYCYSTIC LIVER DISEASE; Autosomal Recessive Polycystic Kidney Disease – PKHD1. Identifiers: MedGen C4540575, MONDO:0033004, OMIM 263200.
Autosomal recessive polycystic kidney disease (ARPKD). Also called: AR polycystic kidney disease. Identifiers: Orphanet 731, Orphanet 8378, MedGen C0085548, MeSH D017044, MONDO:0009889.

Submissions (3):

Natera, Inc.
Classification: Likely pathogenic for Autosomal recessive polycystic kidney disease. Last evaluated: 2025-07-19. Review status: criteria provided, single submitter. Criteria: Natera Variant Classification Schema (03/2026). Collection method: clinical testing. Allele origin: germline.
Comment: The c.1293dup variant in PKHD1 is a frameshift variant predicted to shift the reading frame and introduce a stop codon. This variant is expected to result in nonsense mediated decay, truncation, or a dysfunctional protein product. This variant is rare in the general population with a frequency below the threshold expected for the associated phenotype(s). Given the available evidence, this variant is classified as Likely Pathogenic.

Fulgent Genetics
Classification: Likely pathogenic for Polycystic kidney disease 4. Last evaluated: 2024-01-05. Review status: criteria provided, single submitter. Criteria: ACMG Guidelines, 2015. Collection method: clinical testing. Allele origin: germline.

Labcorp Genetics (formerly Invitae), Labcorp
Classification: Pathogenic for Autosomal recessive polycystic kidney disease. Last evaluated: 2021-09-15. Review status: criteria provided, single submitter. Criteria: Invitae Variant Classification Sherloc (09022015). Collection method: clinical testing. Allele origin: germline.
Comment: This sequence change creates a premature translational stop signal (p.Arg432*) in the PKHD1 gene. It is expected to result in an absent or disrupted protein product. Loss-of-function variants in PKHD1 are known to be pathogenic (PMID: 19940839). For these reasons, this variant has been classified as Pathogenic. This variant has not been reported in the literature in individuals affected with PKHD1-related conditions. This variant is not present in population databases (ExAC no frequency).

Literature cited by the submitters: PubMed 19940839 (cited by Labcorp Genetics (formerly Invitae), Labcorp).

NM_138694.4(PKHD1):c.1293dup (p.Arg432Ter)

Gene: PKHD1 (PKHD1 ciliary IPT domain containing fibrocystin/polyductin; minus strand). Cytogenetic location: 6p12.2.
Variant type: Duplication.
Coding change: c.1293dup on transcript NM_138694.4 (MANE Select); coding-DNA position 1293, one base duplicated (T; older notation c.1293dupT).
Protein change: p.Arg432Ter; replaces arginine 432 with a stop codon.
Molecular consequence: nonsense.
Genome position (GRCh38, 1-based): chr6:52,058,542, A duplicated on the plus strand (T on the coding strand, the reverse complement: PKHD1 is on the minus strand). VCF-style (leftmost placement, unchanged base first): chr6-52058541-T-TA. GRCh37 (hg19) VCF-style: chr6-51923339-T-TA.
Other names: c.1293dup (NM_138694.3); c.1293dup, p.Arg432Ter (NM_170724.3); short protein forms R432*.
Identifiers: ClinVar variation 1399385 (VCV001399385.8), dbSNP rs2128212671, ClinGen allele CA2573140980.
Genomic context (GRCh38, chr6:52,058,541, plus strand): 5'-ACATGGCTCCACCCAACAGCTCCAACTTGGGAGTCTTCTGCTGCCAGGTCCCTTCATCCC[T>TA]ATTCTGCTCCCAGGAGTCAAACCAGTCAGCAGTGCCGACGCTGATGGAGGCCACTTTCAC-3'